The following is an entry in ClinVar:

ClinVar aggregate classification (germline): Uncertain significance (1 of 4 stars; one submission).

Conditions:
Hereditary spastic paraplegia 50 (SPG50). Also called: Spastic paraplegia 50, autosomal recessive. Identifiers: Orphanet 280763, MedGen C2752008, MONDO:0013048, OMIM 612936.

Submission:

Labcorp Genetics (formerly Invitae), Labcorp
Classification: Uncertain significance for Hereditary spastic paraplegia 50. Last evaluated: 2024-10-24. Review status: criteria provided, single submitter. Criteria: Invitae Variant Classification Sherloc (09022015). Collection method: clinical testing. Allele origin: germline.
Comment: This sequence change falls in intron 12 of the AP4M1 gene. It does not directly change the encoded amino acid sequence of the AP4M1 protein. This variant is not present in population databases (gnomAD no frequency). This variant has not been reported in the literature in individuals affected with AP4M1-related conditions. ClinVar contains an entry for this variant (Variation ID: 1408079). Algorithms developed to predict the effect of sequence changes on RNA splicing suggest that this variant may disrupt the consensus splice site. In summary, the available evidence is currently insufficient to determine the role of this variant in disease. Therefore, it has been classified as a Variant of Uncertain Significance.

NM_004722.4(AP4M1):c.975-14C>A

Gene: AP4M1 (adaptor related protein complex 4 subunit mu 1; plus strand). Cytogenetic location: 7q22.1.
Variant type: single nucleotide variant.
Coding change: c.975-14C>A on transcript NM_004722.4 (MANE Select); 14 bases into the intron before coding-DNA position 975, C replaced by A.
Molecular consequence: intron variant.
Genome position (GRCh38, 1-based): chr7:100,106,227, C>A. VCF-style: chr7-100106227-C-A. GRCh37 (hg19) VCF-style: chr7-99703850-C-A.
Other names: c.996-14C>A (NM_001363671.2).
Identifiers: ClinVar variation 1408079 (VCV001408079.7), dbSNP rs370610939, ClinGen allele CA2573141340.